The following is an entry in ClinVar:

NM_001348716.2(KDM6B):c.2510A>G (p.Tyr837Cys)

Gene: KDM6B (lysine demethylase 6B; plus strand). Cytogenetic location: 17p13.1.
Variant type: single nucleotide variant.
Coding change: c.2510A>G on transcript NM_001348716.2 (MANE Select); coding-DNA position 2510, A replaced by G.
Protein change: p.Tyr837Cys; replaces tyrosine 837 with cysteine.
Molecular consequence: missense variant.
Genome position (GRCh38, 1-based): chr17:7,848,798, A>G. VCF-style: chr17-7848798-A-G. GRCh37 (hg19) VCF-style: chr17-7752116-A-G.
Other names: c.2510A>G, p.Tyr837Cys (NM_001080424.2); short protein forms Y837C.
Identifiers: ClinVar variation 4886037 (VCV004886037.2).

ClinVar aggregate classification (germline): Uncertain significance (1 of 4 stars; one submission).

Submission:

Dasa
Classification: Uncertain significance. Last evaluated: 2025-05-27. Review status: criteria provided, single submitter. Criteria: DASA Assertion Criteria. Collection method: clinical testing. Allele origin: germline.
Comment: NM_001348716.2(KDM6B):c.2510A>G (p.Tyr837Cys) is a missense variant that results in the substitution of tyrosine with cysteine. This variant is absent from population databases. Computational prediction algorithms are consistent with a benign effect. The currently available literature and clinical evidence are not sufficient to establish a definitive association between this variant and the reported condition. Therefore, this variant is classified as a variant of uncertain significance.